The following is an entry in ClinVar:

NM_005477.3(HCN4):c.674G>A (p.Gly225Glu)

Gene: HCN4 (hyperpolarization activated cyclic nucleotide gated potassium channel 4; minus strand). Cytogenetic location: 15q24.1.
Variant type: single nucleotide variant.
Coding change: c.674G>A on transcript NM_005477.3 (MANE Select); coding-DNA position 674, G replaced by A.
Protein change: p.Gly225Glu; replaces glycine 225 with glutamic acid.
Molecular consequence: missense variant.
Genome position (GRCh38, 1-based): chr15:73,367,597, C>T on the plus strand (G>A on the coding strand, the complement: HCN4 is on the minus strand). VCF-style: chr15-73367597-C-T. GRCh37 (hg19) VCF-style: chr15-73659938-C-T.
Other names: short protein forms G225E.
Identifiers: ClinVar variation 579117 (VCV000579117.8), dbSNP rs1456642227, ClinGen allele CA393097269.

ClinVar aggregate classification (germline): Uncertain significance (1 of 4 stars; one submission).

Conditions:
Brugada syndrome 8 (BRGDA8). Identifiers: Orphanet 130, MedGen C2751083, MONDO:0013148, OMIM 613123.

Allele frequency attached by ClinVar (database versions not stated): gnomAD exomes below 0.00001.
gnomAD v4.1: 5 of 1,613,748 alleles (0.00031%); highest among the groups gnomAD compares: Non-Finnish European, 0.00034%; no homozygotes.

Submission:

Labcorp Genetics (formerly Invitae), Labcorp
Classification: Uncertain significance for Brugada syndrome 8. Last evaluated: 2025-02-28. Review status: criteria provided, single submitter. Criteria: Invitae Variant Classification Sherloc (09022015). Collection method: clinical testing. Allele origin: germline.
Comment: This sequence change replaces glycine, which is neutral and non-polar, with glutamic acid, which is acidic and polar, at codon 225 of the HCN4 protein (p.Gly225Glu). This variant is present in population databases (no rsID available, gnomAD 0.0009%). This variant has not been reported in the literature in individuals affected with HCN4-related conditions. ClinVar contains an entry for this variant (Variation ID: 579117). Invitae Evidence Modeling of protein sequence and biophysical properties (such as structural, functional, and spatial information, amino acid conservation, physicochemical variation, residue mobility, and thermodynamic stability) has been performed for this missense variant. However, the output from this modeling did not meet the statistical confidence thresholds required to predict the impact of this variant on HCN4 protein function. In summary, the available evidence is currently insufficient to determine the role of this variant in disease. Therefore, it has been classified as a Variant of Uncertain Significance.